The following is an entry in ClinVar:

ClinVar aggregate classification (germline): Likely pathogenic (1 of 4 stars; one submission).

Conditions:
GRIN2B-related disorder. Also called: GRIN2B-related condition.

Submission:

PreventionGenetics, part of Exact Sciences
Classification: Likely pathogenic for GRIN2B-related condition. Last evaluated: 2024-10-17. Review status: criteria provided, single submitter. Criteria: ACMG Guidelines, 2015. Collection method: clinical testing. Allele origin: germline.
Comment: The GRIN2B c.2804C>G variant is predicted to result in premature protein termination (p.Ser935*). To our knowledge, this variant has not been reported in the literature or in a large population database (gnomAD), indicating this variant is rare. Nonsense variants in GRIN2B are expected to be pathogenic. This variant is interpreted as likely pathogenic.

NM_000834.5(GRIN2B):c.2804C>G (p.Ser935Ter)

Gene: GRIN2B (glutamate ionotropic receptor NMDA type subunit 2B; minus strand). Cytogenetic location: 12p13.1.
Variant type: single nucleotide variant.
Coding change: c.2804C>G on transcript NM_000834.5 (MANE Select); coding-DNA position 2804, C replaced by G.
Protein change: p.Ser935Ter; replaces serine 935 with a stop codon.
Molecular consequence: nonsense.
Genome position (GRCh38, 1-based): chr12:13,564,434, G>C on the plus strand (C>G on the coding strand, the complement: GRIN2B is on the minus strand). VCF-style: chr12-13564434-G-C. GRCh37 (hg19) VCF-style: chr12-13717368-G-C.
Other names: c.2804C>G, p.Ser935Ter (NM_001413992.1); short protein forms S935*.
Identifiers: ClinVar variation 4997643 (VCV004997643.1).